The following is an entry in ClinVar:

ClinVar aggregate classification (germline): Uncertain significance (1 of 4 stars; one submission).

Conditions:
Charcot-Marie-Tooth disease type 2. Also called: Charcot-Marie-Tooth type 2. Identifiers: Orphanet 64746, MedGen C0270914, MONDO:0018993.

gnomAD v4.1: 9 of 1,614,090 alleles (0.00056%); highest among the groups gnomAD compares: Non-Finnish European, 0.00076%; no homozygotes.

Submission:

Labcorp Genetics (formerly Invitae), Labcorp
Classification: Uncertain significance for Charcot-Marie-Tooth disease type 2. Last evaluated: 2020-08-25. Review status: criteria provided, single submitter. Criteria: Invitae Variant Classification Sherloc (09022015). Collection method: clinical testing. Allele origin: germline.
Comment: This sequence change replaces leucine with valine at codon 450 of the AARS protein (p.Leu450Val). The leucine residue is moderately conserved and there is a small physicochemical difference between leucine and valine. This variant is not present in population databases (ExAC no frequency). This variant has not been reported in the literature in individuals with AARS-related conditions. Algorithms developed to predict the effect of missense changes on protein structure and function (SIFT, PolyPhen-2, Align-GVGD) all suggest that this variant is likely to be tolerated, but these predictions have not been confirmed by published functional studies and their clinical significance is uncertain. Algorithms developed to predict the effect of sequence changes on RNA splicing suggest that this variant may create or strengthen a splice site, but this prediction has not been confirmed by published transcriptional studies. In summary, the available evidence is currently insufficient to determine the role of this variant in disease. Therefore, it has been classified as a Variant of Uncertain Significance.

NM_001605.3(AARS1):c.1348C>G (p.Leu450Val)

Gene: AARS1 (alanyl-tRNA synthetase 1; minus strand). Cytogenetic location: 16q22.1.
Variant type: single nucleotide variant.
Coding change: c.1348C>G on transcript NM_001605.3 (MANE Select); coding-DNA position 1348, C replaced by G.
Protein change: p.Leu450Val; replaces leucine 450 with valine.
Molecular consequence: missense variant.
Genome position (GRCh38, 1-based): chr16:70,265,102, G>C on the plus strand (C>G on the coding strand, the complement: AARS1 is on the minus strand). VCF-style: chr16-70265102-G-C. GRCh37 (hg19) VCF-style: chr16-70299005-G-C.
Other names: short protein forms L450V.
Identifiers: ClinVar variation 1047346 (VCV001047346.8), dbSNP rs767096851, ClinGen allele CA396561648.